The following is an entry in ClinVar:

NM_000038.6(APC):c.7781C>A (p.Ser2594Tyr)

Gene: APC (APC regulator of Wnt signaling pathway; plus strand). Cytogenetic location: 5q22.2.
Variant type: single nucleotide variant.
Coding change: c.7781C>A on transcript NM_000038.6 (MANE Select); coding-DNA position 7781, C replaced by A.
Protein change: p.Ser2594Tyr; replaces serine 2594 with tyrosine.
Molecular consequence: missense variant.
Genome position (GRCh38, 1-based): chr5:112,843,375, C>A. VCF-style: chr5-112843375-C-A. GRCh37 (hg19) VCF-style: chr5-112179072-C-A.
Other names: c.7781C>A, p.Ser2594Tyr (NM_001127510.3, NM_001354895.2, NM_001407450.1); c.7727C>A, p.Ser2576Tyr (NM_001127511.3); c.7835C>A, p.Ser2612Tyr (NM_001354896.2, NM_001407447.1, NM_001407448.1 and 1 more transcripts); c.7811C>A, p.Ser2604Tyr (NM_001354897.2); c.7706C>A, p.Ser2569Tyr (NM_001354898.2); c.7697C>A, p.Ser2566Tyr (NM_001354899.2); c.7658C>A, p.Ser2553Tyr (NM_001354900.2); c.7604C>A, p.Ser2535Tyr (NM_001354901.2, NM_001407453.1); and 11 more; short protein forms S2434Y, S2468Y, S2566Y, S2576Y, S2622Y, S2210Y, S2311Y, S2511Y.
Identifiers: ClinVar variation 1760607 (VCV001760607.2), dbSNP rs543396310, ClinGen allele CA16038235.

ClinVar aggregate classification (germline): Uncertain significance (1 of 4 stars; one submission).

Conditions:
Hereditary cancer-predisposing syndrome. Also called: Neoplastic Syndromes, Hereditary; Tumor predisposition; Hereditary Cancer Syndrome; Hereditary neoplastic syndrome. Identifiers: Orphanet 140162, MedGen C0027672, MeSH D009386, MONDO:0015356.

Submission:

Ambry Genetics
Classification: Uncertain significance for Hereditary cancer-predisposing syndrome. Last evaluated: 2022-01-19. Review status: criteria provided, single submitter. Criteria: Ambry Variant Classification Scheme 2023. Collection method: clinical testing. Allele origin: germline.
Comment: The p.S2594Y variant (also known as c.7781C>A), located in coding exon 15 of the APC gene, results from a C to A substitution at nucleotide position 7781. The serine at codon 2594 is replaced by tyrosine, an amino acid with dissimilar properties. This amino acid position is conserved. In addition, in silico predictors for this gene do not accurately predict pathogenicity. Since supporting evidence is limited at this time, the clinical significance of this alteration remains unclear.